The following is an entry in ClinVar:

ClinVar aggregate classification (germline): Benign/Likely benign. Review status: criteria provided, multiple submitters, no conflicts (2 of 4 stars). 12 submissions from 12 submitters: Benign (7); Likely benign (1). 4 of the submissions do not count toward it. Last evaluated 2026-01-28.

Conditions:
DTNA-related disorder. Also called: DTNA-related condition.
Left ventricular noncompaction 1 (LVNC1). Also called: LEFT VENTRICULAR NONCOMPACTION 1 WITH OR WITHOUT CONGENITAL HEART DEFECTS. Identifiers: Orphanet 54260, MedGen C1858725, MONDO:0011403, OMIM 604169.

Allele frequency attached by ClinVar (database versions not stated): 1000 Genomes Project 30x 0.00047; 1000 Genomes Project 0.00060; ExAC 0.00239; TOPMed 0.00247; gnomAD exomes 0.00256 and 0.00375; gnomAD 0.00273 and 0.00285; ESP Exome Variant Server 0.00454.
gnomAD v4.1: 5,814 of 1,614,168 alleles (0.36%); highest among the groups gnomAD compares: Non-Finnish European, 0.44%; 14 homozygotes.

Submissions (12):

Labcorp Genetics (formerly Invitae), Labcorp
Classification: Benign for Left ventricular noncompaction 1. Last evaluated: 2026-01-28. Review status: criteria provided, single submitter. Criteria: Invitae Variant Classification Sherloc (09022015). Collection method: clinical testing. Allele origin: germline.

CeGaT Center for Human Genetics Tuebingen
Classification: Likely benign. Last evaluated: 2025-05-01. Review status: criteria provided, single submitter. Criteria: CeGaT Center For Human Genetics Tuebingen Variant Classification Criteria Version 2. Collection method: clinical testing. Allele origin: germline. Affected: yes. Observed: 6 variant alleles.
Comment: DTNA: BP4, BP7, BS2

Blueprint Genetics
Classification: Benign. Last evaluated: 2024-11-23. Review status: criteria provided, single submitter. Criteria: ACMG Guidelines, 2015. Collection method: clinical testing. Allele origin: germline.

ARUP Laboratories, Molecular Genetics and Genomics, ARUP Laboratories
Classification: Benign for Left ventricular noncompaction 1. Last evaluated: 2023-08-23. Review status: criteria provided, single submitter. Criteria: ARUP Molecular Germline Variant Investigation Process 2024. Collection method: clinical testing. Allele origin: germline.

Fulgent Genetics
Classification: Benign for Left ventricular noncompaction 1. Last evaluated: 2021-08-04. Review status: criteria provided, single submitter. Criteria: ACMG Guidelines, 2015. Collection method: clinical testing. Allele origin: unknown.

Women's Health and Genetics/Laboratory Corporation of America, LabCorp
Classification: Benign. Last evaluated: 2021-01-28. Review status: criteria provided, single submitter. Criteria: LabCorp Variant Classification Summary - May 2015. Collection method: clinical testing. Allele origin: germline.

GeneDx
Classification: Benign. Last evaluated: 2014-04-10. Review status: criteria provided, single submitter. Criteria: GeneDx Variant Classification (06012015). Collection method: clinical testing. Allele origin: germline. Affected: yes.
Comment: This variant is considered likely benign or benign based on one or more of the following criteria: it is a conservative change, it occurs at a poorly conserved position in the protein, it is predicted to be benign by multiple in silico algorithms, and/or has population frequency not consistent with disease.

Laboratory for Molecular Medicine, Mass General Brigham Personalized Medicine
Classification: Benign. Last evaluated: 2012-08-13. Review status: criteria provided, single submitter. Criteria: LMM Criteria. Collection method: clinical testing. Allele origin: germline. Observed: 9 variant alleles.
Comment: Leu81Leu in Exon 05 of DTNA: This variant is not expected to have clinical signi ficance because it does not alter an amino acid residue, is not located within t he splice consensus sequence and has been identified in 0.6% (44/7020) of Europe an American chromosomes from a broad population by the NHLBI Exome Sequencing Pr oject (dbSNP rs146923532).

PreventionGenetics, part of Exact Sciences
Classification: Benign for DTNA-related condition. Last evaluated: 2021-05-26. Review status: no assertion criteria provided. Collection method: clinical testing. Allele origin: germline. Not counted in ClinVar's aggregate classification.
Comment: This variant is classified as benign based on ACMG/AMP sequence variant interpretation guidelines (Richards et al. 2015 PMID: 25741868, with internal and published modifications).

Clinical Genetics DNA and cytogenetics Diagnostics Lab, Erasmus MC, Erasmus Medical Center
Classification: Likely benign. Review status: no assertion criteria provided. Collection method: clinical testing. Allele origin: germline. Affected: yes. Study: VKGL Data-share Consensus. Not counted in ClinVar's aggregate classification.

Diagnostic Laboratory, Department of Genetics, University Medical Center Groningen
Classification: Likely benign. Review status: no assertion criteria provided. Collection method: clinical testing. Allele origin: germline. Affected: yes. Study: VKGL Data-share Consensus. Not counted in ClinVar's aggregate classification.

Joint Genome Diagnostic Labs from Nijmegen and Maastricht, Radboudumc and MUMC+
Classification: Benign. Review status: no assertion criteria provided. Collection method: clinical testing. Allele origin: germline. Affected: yes. Study: VKGL Data-share Consensus. Not counted in ClinVar's aggregate classification.

NM_001386795.1(DTNA):c.243A>G (p.Leu81=)

Gene: DTNA (dystrobrevin alpha; plus strand). Cytogenetic location: 18q12.1.
Variant type: single nucleotide variant.
Coding change: c.243A>G on transcript NM_001386795.1 (MANE Select); coding-DNA position 243, A replaced by G.
Protein change: p.Leu81=; no amino-acid change (leucine 81 retained).
Molecular consequence: synonymous variant.
Genome position (GRCh38, 1-based): chr18:34,794,131, A>G. VCF-style: chr18-34794131-A-G. GRCh37 (hg19) VCF-style: chr18-32374095-A-G.
Other names: p.L81L:TTA>TTG; c.243A>G, p.Leu81= (NM_001128175.2, NM_001198938.2, NM_001198939.2 and 35 more transcripts).
Identifiers: ClinVar variation 46424 (VCV000046424.68), dbSNP rs146923532, ClinGen allele CA138328.